The following is an entry in ClinVar:

ClinVar aggregate classification (germline): Uncertain significance. Review status: criteria provided, multiple submitters, no conflicts (2 of 4 stars). 2 submissions from 2 submitters: Uncertain significance (2). Last evaluated 2024-10-01.

Conditions:
DICER1-related tumor predisposition. Also called: DICER1-related pleuropulmonary blastoma cancer predisposition syndrome; DICER1 syndrome. Identifiers: Orphanet 284343, MedGen C3839822, MONDO:0100216.
Hereditary cancer-predisposing syndrome. Also called: Neoplastic Syndromes, Hereditary; Hereditary neoplastic syndrome; Tumor predisposition; Hereditary Cancer Syndrome. Identifiers: Orphanet 140162, MedGen C0027672, MeSH D009386, MONDO:0015356.

gnomAD v4.1: 2 of 1,613,606 alleles (0.00012%); highest among the groups gnomAD compares: Non-Finnish European, 0.00017%; no homozygotes.

Submissions (2):

Labcorp Genetics (formerly Invitae), Labcorp
Classification: Uncertain significance for DICER1-related tumor predisposition. Last evaluated: 2024-10-01. Review status: criteria provided, single submitter. Criteria: Invitae Variant Classification Sherloc (09022015). Collection method: clinical testing. Allele origin: germline.
Comment: This sequence change replaces glutamine, which is neutral and polar, with histidine, which is basic and polar, at codon 841 of the DICER1 protein (p.Gln841His). This variant is not present in population databases (gnomAD no frequency). This variant has not been reported in the literature in individuals affected with DICER1-related conditions. ClinVar contains an entry for this variant (Variation ID: 834289). Invitae Evidence Modeling of protein sequence and biophysical properties (such as structural, functional, and spatial information, amino acid conservation, physicochemical variation, residue mobility, and thermodynamic stability) indicates that this missense variant is not expected to disrupt DICER1 protein function with a negative predictive value of 80%. In summary, the available evidence is currently insufficient to determine the role of this variant in disease. Therefore, it has been classified as a Variant of Uncertain Significance.

Ambry Genetics
Classification: Uncertain significance for Hereditary cancer-predisposing syndrome. Last evaluated: 2022-05-17. Review status: criteria provided, single submitter. Criteria: Ambry Variant Classification Scheme 2023. Collection method: clinical testing. Allele origin: germline.
Comment: The p.Q841H variant (also known as c.2523A>C), located in coding exon 15 of the DICER1 gene, results from an A to C substitution at nucleotide position 2523. The glutamine at codon 841 is replaced by histidine, an amino acid with highly similar properties. This amino acid position is conserved. In addition, this alteration is predicted to be tolerated by in silico analysis. Since supporting evidence is limited at this time, the clinical significance of this alteration remains unclear.

NM_177438.3(DICER1):c.2523A>C (p.Gln841His)

Gene: DICER1 (dicer 1, ribonuclease III; minus strand). Cytogenetic location: 14q32.13.
Variant type: single nucleotide variant.
Coding change: c.2523A>C on transcript NM_177438.3 (MANE Select); coding-DNA position 2523, A replaced by C.
Protein change: p.Gln841His; replaces glutamine 841 with histidine.
Molecular consequence: missense variant.
Genome position (GRCh38, 1-based): chr14:95,108,007, T>G on the plus strand (A>C on the coding strand, the complement: DICER1 is on the minus strand). VCF-style: chr14-95108007-T-G. GRCh37 (hg19) VCF-style: chr14-95574344-T-G.
Other names: c.2523A>C, p.Gln841His (NM_001195573.1, NM_001271282.3, NM_001291628.2 and 1 more transcripts); short protein forms Q841H.
Identifiers: ClinVar variation 834289 (VCV000834289.11), dbSNP rs1891604387, ClinGen allele CA390881846.